The following is an entry in ClinVar:

NC_000004.11:g.(?_107216231)_(107230117_?)del

Gene: TBCK (TBC1 domain containing kinase; minus strand). Cytogenetic location: 4q24.
Variant type: Deletion.
Identifiers: ClinVar variation 2423895 (VCV002423895.4).

ClinVar aggregate classification (germline): Pathogenic (1 of 4 stars; one submission).

Submission:

Labcorp Genetics (formerly Invitae), Labcorp
Classification: Pathogenic. Last evaluated: 2022-05-03. Review status: criteria provided, single submitter. Criteria: Invitae Variant Classification Sherloc (09022015). Collection method: clinical testing. Allele origin: germline.
Comment: This variant has not been reported in the literature in individuals affected with TBCK-related conditions. This variant is a gross deletion of the genomic region encompassing exon(s) 2-3 of the TBCK gene, which includes the initiator codon. This deletion extends beyond the assayed region for this gene and therefore may encompass additional genes. It is expected to result in an absent or disrupted protein product. Loss-of-function variants in TBCK are known to be pathogenic (PMID: 27040692, 30103036). For these reasons, this variant has been classified as Pathogenic.

Literature cited by the submitters: PubMed 27040692; PubMed 30103036.